The following is an entry in ClinVar:

ClinVar aggregate classification (germline): Uncertain significance (1 of 4 stars; one submission).

Conditions:
POLD1-related polyposis and colorectal cancer syndrome (CRCS10). Also called: Colorectal cancer 10; COLORECTAL CANCER, SUSCEPTIBILITY TO, ON CHROMOSOME 19q; Colorectal cancer, susceptibility to, 10. Identifiers: Orphanet 220460, MedGen C2675481, MONDO:0012953, OMIM 612591.

Submission:

Labcorp Genetics (formerly Invitae), Labcorp
Classification: Uncertain significance for POLD1-related polyposis and colorectal cancer syndrome. Last evaluated: 2022-08-10. Review status: criteria provided, single submitter. Criteria: Invitae Variant Classification Sherloc (09022015). Collection method: clinical testing. Allele origin: germline.
Comment: In summary, the available evidence is currently insufficient to determine the role of this variant in disease. Therefore, it has been classified as a Variant of Uncertain Significance. Experimental studies and prediction algorithms are not available or were not evaluated, and the functional significance of this variant is currently unknown. This variant has not been reported in the literature in individuals affected with POLD1-related conditions. This variant results in a copy number gain of the genomic region encompassing exon(s) 2-14 of the POLD1 gene. This region includes the initiator codon of the gene. This copy number gain extends beyond the assayed region for this gene and therefore may encompass additional genes. As the precise location of this event is unknown, it may be in tandem or it may be located elsewhere in the genome.

NC_000019.9:g.(?_50902109)_(50910682_?)dup

Gene: POLD1 (DNA polymerase delta 1, catalytic subunit; plus strand). Cytogenetic location: 19q13.33.
Variant type: Duplication.
Identifiers: ClinVar variation 1482444 (VCV001482444.5).